The following is an entry in ClinVar:

NM_002225.5(IVD):c.960G>T (p.Gln320His)

Gene: IVD (isovaleryl-CoA dehydrogenase; plus strand). Cytogenetic location: 15q15.1.
Variant type: single nucleotide variant.
Coding change: c.960G>T on transcript NM_002225.5 (MANE Select); coding-DNA position 960, G replaced by T.
Protein change: p.Gln320His; replaces glutamine 320 with histidine.
Molecular consequence: missense variant. On other transcripts: non-coding transcript variant (1).
Genome position (GRCh38, 1-based): chr15:40,415,482, G>T. VCF-style: chr15-40415482-G-T. GRCh37 (hg19) VCF-style: chr15-40707681-G-T.
Other names: c.870G>T, p.Gln290His (NM_001159508.3); c.912G>T, p.Gln304His (NM_001354597.3); c.960G>T, p.Gln320His (NM_001354598.3, NM_001354601.3); c.1047G>T, p.Gln349His (NM_001354599.3, NM_001354600.3); short protein forms Q320H, Q290H, Q304H, Q349H.
Identifiers: ClinVar variation 627426 (VCV000627426.9), dbSNP rs367814475, ClinGen allele CA7480802.

ClinVar aggregate classification (germline): Conflicting classifications of pathogenicity. Review status: criteria provided, conflicting classifications (1 of 4 stars). 6 submissions from 6 submitters: Pathogenic (1); Likely pathogenic (4); Uncertain significance (1). Last evaluated 2025-08-28.

Conditions:
Isovaleryl-CoA dehydrogenase deficiency (IVA). Also called: Classic Isovaleric Acidemia; ISOVALERIC ACID CoA DEHYDROGENASE DEFICIENCY; Isovaleric acidemia; IVD DEFICIENCY. Identifiers: Orphanet 33, MedGen C0268575, MONDO:0009475, OMIM 243500.

Allele frequency attached by ClinVar (database versions not stated): 1000 Genomes Project 30x 0.00016; 1000 Genomes Project 0.00020.
gnomAD v4.1: 10 of 1,613,594 alleles (0.00062%); highest among the groups gnomAD compares: South Asian, 0.0099%; no homozygotes.

Submissions (6):

Myriad Genetics, Inc.
Classification: Likely pathogenic for Isovaleryl-CoA dehydrogenase deficiency. Last evaluated: 2025-08-28. Review status: criteria provided, single submitter. Criteria: Myriad Autosomal Dominant, Autosomal Recessive and X-Linked Classification Criteria (2023). Collection method: clinical testing. Allele origin: unknown.
Comment: NM_002225.3(IVD):c.969G>T(Q323H) is a missense variant classified as likely pathogenic in the context of isovaleric acidemia. Q323H has been observed in cases with relevant disease (PMID: Ramadevi_2015_(Poster), Sarker_2019_(Article)). Relevant functional assessments of this variant are not available in the literature. Internal structural analysis of the variant is supportive of pathogenicity. Q323H has been observed in referenced population frequency databases. In summary, NM_002225.3(IVD):c.969G>T(Q323H) is a missense variant that has internal structural support for pathogenicity and has been observed more frequently in cases with the relevant disease than in healthy populations. Please note: this variant was assessed in the context of healthy population screening.

Baylor Genetics
Classification: Likely pathogenic for Isovaleryl-CoA dehydrogenase deficiency. Last evaluated: 2024-02-04. Review status: criteria provided, single submitter. Criteria: ACMG Guidelines, 2015. Collection method: clinical testing. Allele origin: unknown.

Fulgent Genetics
Classification: Likely pathogenic for Isovaleryl-CoA dehydrogenase deficiency. Last evaluated: 2024-01-11. Review status: criteria provided, single submitter. Criteria: ACMG Guidelines, 2015. Collection method: clinical testing. Allele origin: germline.

GeneDx
Classification: Uncertain significance. Last evaluated: 2023-12-20. Review status: criteria provided, single submitter. Criteria: GeneDx Variant Classification Process June 2021. Collection method: clinical testing. Allele origin: germline. Affected: yes.
Comment: Not observed at significant frequency in large population cohorts (gnomAD); In silico analysis supports that this missense variant has a deleterious effect on protein structure/function; This variant is associated with the following publications: (PMID: Suprovath2019[article])

Neuberg Centre For Genomic Medicine, NCGM
Classification: Likely pathogenic for Isovaleryl-CoA dehydrogenase deficiency. Last evaluated: 2023-06-22. Review status: criteria provided, single submitter. Criteria: ACMG Guidelines, 2015. Collection method: clinical testing. Allele origin: germline. Inheritance: Autosomal recessive inheritance. Affected: yes.
Comment: The observed missense c.960G>T(p.Gln320His) variant lying in the splice region of IVD gene has been reported previously in in individual(s) affected with Isovaleric acidemia (Sarker Suprovath, et al., 2019). The p.Gln320His variant has been reported with allele frequency of 0.0004% in gnomAD Exomes. This variant has been submited to the ClinVar database as Pathogenic / Likely Pathogenic. Multiple lines of computational evidences (SIFT - Damaging and Mutation Taster - Disease causing) predict a damaging effect on protein structure and function for this variant. The reference amino acid change at this position on IVD gene is predicted as conserved by GERP++ and PhyloP across 100 vertebrates. The amino acid Gln at position 320 is changed to a His changing protein sequence and it might alter its composition and physico-chemical properties. However, additional functional studies will be required to prove the pathogenicity of this variant. For these reasons, this variant has been classified as Likely Pathogenic.

Laboratory of Genetics and Genomics, Institute for Developing Science and Health Initiatives Foundation
Classification: Pathogenic for Isovaleryl-CoA dehydrogenase deficiency. Last evaluated: 2018-04-16. Review status: criteria provided, single submitter. Criteria: ACGS Best Practice Guidelines for Variant Classification, 2018. Collection method: research. Allele origin: inherited. Inheritance: Autosomal recessive inheritance. Affected: yes. Observed: 1 homozygote.
Comment: This recently described mutation has previously remained uncharacterized, although several bioinformatics prediction tools used in tandem have supported a high probability for pathogenicity as confirmed by our clinical evaluation with the child suffering from many of the classical symptoms associated with the chronic intermittent form. Therefore, the p.Gln323His variant of IVD corresponds to a probable pathogenic classification based on clinical and bioinformatics based evidence, especially given that manifestation of the disease is solely correlated with IVD gene mutations (Schulne et al. 2018, Hertecant et al. 2012).

Literature cited by the submitters: DOI 10.1016/j.mgene.2019.100557 (cited by Laboratory of Genetics and Genomics, Institute for Developing Science and Health Initiatives Foundation).